The following is an entry in ClinVar:

ClinVar aggregate classification (germline): Uncertain significance (1 of 4 stars; one submission).

Conditions:
Encephalopathy, acute, infection-induced (herpes-specific), susceptibility to, 6. Also called: Herpes simplex encephalitis, susceptibility to, 4. Identifiers: Orphanet 1930, MedGen C3553869, MONDO:0013921, OMIM 614850.

Allele frequency attached by ClinVar (database versions not stated): gnomAD exomes below 0.00001; gnomAD 0.00001.
gnomAD v4.1: 3 of 1,613,840 alleles (0.00019%); highest among the groups gnomAD compares: African/African-American, 0.0027%; no homozygotes.

Submission:

Labcorp Genetics (formerly Invitae), Labcorp
Classification: Uncertain significance for Encephalopathy, acute, infection-induced (herpes-specific), susceptibility to, 6. Last evaluated: 2022-10-13. Review status: criteria provided, single submitter. Criteria: Invitae Variant Classification Sherloc (09022015). Collection method: clinical testing. Allele origin: germline.
Comment: This variant is present in population databases (no rsID available, gnomAD 0.01%). This sequence change replaces aspartic acid, which is acidic and polar, with asparagine, which is neutral and polar, at codon 151 of the TICAM1 protein (p.Asp151Asn). This variant has not been reported in the literature in individuals affected with TICAM1-related conditions. ClinVar contains an entry for this variant (Variation ID: 938935). Algorithms developed to predict the effect of missense changes on protein structure and function output the following: SIFT: "Tolerated"; PolyPhen-2: "Benign"; Align-GVGD: "Class C0". The asparagine amino acid residue is found in multiple mammalian species, which suggests that this missense change does not adversely affect protein function. In summary, the available evidence is currently insufficient to determine the role of this variant in disease. Therefore, it has been classified as a Variant of Uncertain Significance.

NM_182919.4(TICAM1):c.451G>A (p.Asp151Asn)

Gene: TICAM1 (TIR domain containing adaptor molecule 1; minus strand). Cytogenetic location: 19p13.3.
Variant type: single nucleotide variant.
Coding change: c.451G>A on transcript NM_182919.4 (MANE Select); coding-DNA position 451, G replaced by A.
Protein change: p.Asp151Asn; replaces aspartic acid 151 with asparagine.
Molecular consequence: missense variant.
Genome position (GRCh38, 1-based): chr19:4,817,927, C>T on the plus strand (G>A on the coding strand, the complement: TICAM1 is on the minus strand). VCF-style: chr19-4817927-C-T. GRCh37 (hg19) VCF-style: chr19-4817939-C-T.
Other names: short protein forms D151N.
Identifiers: ClinVar variation 938935 (VCV000938935.10), dbSNP rs1224448097, ClinGen allele CA403492624.
Genomic context (GRCh38, chr19:4,817,927, plus strand): 5'-AAGCCGAGGATGGTGGGAGGCAGCCCAGATTGGACTGGAGCGTCCGGATGCTCCCTGGAT[C>T]CCCAGCAATGTCCCACCCACACCGGTTTCGGGCCTCATCCTGAAGTTCCCCCAGCCGGTG-3'
Protein context (NP_891549.1, residues 141-161): RNRCGWDIAG[Asp151Asn]PGSIRTLQSN